The following is an entry in ClinVar:

NM_001042492.3(NF1):c.7321+1G>C

Gene: NF1 (neurofibromin 1; plus strand). Cytogenetic location: 17q11.2.
Variant type: single nucleotide variant.
Coding change: c.7321+1G>C on transcript NM_001042492.3 (MANE Select); the canonical splice donor site of the intron after coding-DNA position 7321, G replaced by C.
Molecular consequence: splice donor variant.
Genome position (GRCh38, 1-based): chr17:31,349,252, G>C. VCF-style: chr17-31349252-G-C. GRCh37 (hg19) VCF-style: chr17-29676270-G-C.
Other names: c.7258+1G>C (NM_000267.4).
Identifiers: ClinVar variation 4763886 (VCV004763886.1).

ClinVar aggregate classification (germline): Pathogenic (1 of 4 stars; one submission).

Conditions:
Neurofibromatosis, type 1 (NF1). Also called: VON RECKLINGHAUSEN DISEASE; Neurofibromatosis, type I; NEUROFIBROMATOSIS, TYPE I, SOMATIC; Peripheral type neurofibromatosis. Identifiers: Orphanet 636, MedGen C0027831, MONDO:0018975, OMIM 162200. Disease mechanism: loss of function.

Submission:

Labcorp Genetics (formerly Invitae), Labcorp
Classification: Pathogenic for Neurofibromatosis, type 1. Last evaluated: 2025-11-17. Review status: criteria provided, single submitter. Criteria: Invitae Variant Classification Sherloc (09022015). Collection method: clinical testing. Allele origin: germline.
Comment: This sequence change affects a donor splice site in intron 48 of the NF1 gene. It is expected to disrupt RNA splicing. Variants that disrupt the donor or acceptor splice site typically lead to a loss of protein function (PMID: 16199547), and loss-of-function variants in NF1 are known to be pathogenic (PMID: 10712197, 23913538). This variant is not present in population databases (gnomAD no frequency). Disruption of this splice site has been observed in individual(s) with neurofibromatosis (PMID: 12552569). Algorithms developed to predict the effect of sequence changes on RNA splicing suggest that this variant may disrupt the consensus splice site. For these reasons, this variant has been classified as Pathogenic.

Literature cited by the submitters: PubMed 16199547; PubMed 10712197; PubMed 23913538; PubMed 12552569.